The following is an entry in ClinVar:

NM_001184.4(ATR):c.2653G>T (p.Val885Leu)

Gene: ATR (ATR checkpoint kinase; minus strand). Cytogenetic location: 3q23.
Variant type: single nucleotide variant.
Coding change: c.2653G>T on transcript NM_001184.4 (MANE Select); coding-DNA position 2653, G replaced by T.
Protein change: p.Val885Leu; replaces valine 885 with leucine.
Molecular consequence: missense variant.
Genome position (GRCh38, 1-based): chr3:142,553,379, C>A on the plus strand (G>T on the coding strand, the complement: ATR is on the minus strand). VCF-style: chr3-142553379-C-A. GRCh37 (hg19) VCF-style: chr3-142272221-C-A.
Other names: c.2461G>T, p.Val821Leu (NM_001354579.2); short protein forms V821L, V885L.
Identifiers: ClinVar variation 1794352 (VCV001794352.2), dbSNP rs141606250, ClinGen allele CA354814881.

ClinVar aggregate classification (germline): Uncertain significance (1 of 4 stars; one submission).

Conditions:
Inborn genetic diseases. Identifiers: MedGen C0950123, MeSH D030342.

Submission:

Ambry Genetics
Classification: Uncertain significance for Inborn genetic diseases. Last evaluated: 2021-09-04. Review status: criteria provided, single submitter. Criteria: Ambry Variant Classification Scheme 2023. Collection method: clinical testing. Allele origin: germline.
Comment: The p.V885L variant (also known as c.2653G>T), located in coding exon 13 of the ATR gene, results from a G to T substitution at nucleotide position 2653. The valine at codon 885 is replaced by leucine, an amino acid with highly similar properties. This amino acid position is conserved. In addition, this alteration is predicted to be tolerated by in silico analysis. Since supporting evidence is limited at this time, the clinical significance of this alteration remains unclear.